The following is an entry in ClinVar:

ClinVar aggregate classification (germline): Uncertain significance (1 of 4 stars; one submission).

Submission:

Labcorp Genetics (formerly Invitae), Labcorp
Classification: Uncertain significance. Last evaluated: 2022-01-13. Review status: criteria provided, single submitter. Criteria: Invitae Variant Classification Sherloc (09022015). Collection method: clinical testing. Allele origin: germline.
Comment: In summary, the available evidence is currently insufficient to determine the role of this variant in disease. Therefore, it has been classified as a Variant of Uncertain Significance. Experimental studies and prediction algorithms are not available or were not evaluated, and the functional significance of this variant is currently unknown. This variant has not been reported in the literature in individuals affected with KCNQ4-related conditions. Information on the frequency of this variant in the gnomAD database is not available, as this variant may be reported differently in the database. This variant, c.695_705delinsTG, is a complex sequence change that results in the deletion of 4 and insertion of 1 amino acid(s) in the KCNQ4 protein (p.Tyr232_Ser235delinsLeu).

NM_004700.4(KCNQ4):c.695_705delinsTG (p.Tyr232_Ser235delinsLeu)

Gene: KCNQ4 (potassium voltage-gated channel subfamily Q member 4; plus strand). Cytogenetic location: 1p34.2.
Variant type: Indel.
Coding change: c.695_705delinsTG on transcript NM_004700.4 (MANE Select); coding-DNA positions 695 to 705, ACGCGCATAGC replaced by TG.
Protein change: p.Tyr232_Ser235delinsLeu.
Molecular consequence: inframe indel.
Genome position (GRCh38, 1-based): chr1:40,818,667-40,818,677, ACGCGCATAGC replaced by TG. VCF-style: chr1-40818667-ACGCGCATAGC-TG. GRCh37 (hg19) VCF-style: chr1-41284339-ACGCGCATAGC-TG.
Other names: c.695_705delinsTG, p.Tyr232_Ser235delinsLeu (NM_172163.3).
Identifiers: ClinVar variation 2081964 (VCV002081964.4), dbSNP rs2523882523, ClinGen allele CA2580062755.
Genomic context (GRCh38, chr1:40,818,667, plus strand): 5'-TGCGCATGGTGCGCATGGACCGCCGCGGCGGCACCTGGAAGCTGCTGGGCTCAGTGGTCT[ACGCGCATAGC>TG]AAGGTGAGGCCTGCAAGCCGCGCGCGGAGACCCGAGGGCGTGTCTGGGGCACGACCAGAG-3'